The following is an entry in ClinVar:

ClinVar aggregate classification (germline): Uncertain significance (1 of 4 stars; one submission).

Conditions:
Inborn genetic diseases. Identifiers: MedGen C0950123, MeSH D030342.

Submission:

Ambry Genetics
Classification: Uncertain significance for Inborn genetic diseases. Last evaluated: 2024-10-17. Review status: criteria provided, single submitter. Criteria: Ambry Variant Classification Scheme 2023. Collection method: clinical testing. Allele origin: germline.
Comment: The p.L386M variant (also known as c.1156C>A), located in coding exon 12 of the ERCC2 gene, results from a C to A substitution at nucleotide position 1156. The leucine at codon 386 is replaced by methionine, an amino acid with highly similar properties. This amino acid position is conserved. In addition, the in silico prediction for this alteration is inconclusive. Since supporting evidence is limited at this time, the clinical significance of this alteration remains unclear.

NM_000400.4(ERCC2):c.1156C>A (p.Leu386Met)

Gene: ERCC2 (ERCC excision repair 2, TFIIH core complex helicase subunit; minus strand). Cytogenetic location: 19q13.32.
Variant type: single nucleotide variant.
Coding change: c.1156C>A on transcript NM_000400.4 (MANE Select); coding-DNA position 1156, C replaced by A.
Protein change: p.Leu386Met; replaces leucine 386 with methionine.
Molecular consequence: missense variant.
Genome position (GRCh38, 1-based): chr19:45,361,605, G>T on the plus strand (C>A on the coding strand, the complement: ERCC2 is on the minus strand). VCF-style: chr19-45361605-G-T. GRCh37 (hg19) VCF-style: chr19-45864863-G-T.
Other names: c.1084C>A, p.Leu362Met (NM_001130867.2); short protein forms L386M, L362M.
Identifiers: ClinVar variation 1735412 (VCV001735412.3), dbSNP rs1972222499, ClinGen allele CA406370055.
Genomic context (GRCh38, chr19:45,361,605, plus strand): 5'-GGGTGGCAAAGTTAGCAAGGAGGGTGAGCGGGGAGAAGTCAGCAAGGTCGGTGATCTCCA[G>T]AGTATGCAGCAGGGACCGGAGGCGTTCAGCACAGAATCTGGCGGGGAGGAGAGACGGGGT-3'
Protein context (NP_000391.1, residues 376-396): AERLRSLLHT[Leu386Met]EITDLADFSP